The following is an entry in ClinVar:

NM_001440.4(EXTL3):c.1279C>G (p.Leu427Val)

Gene: EXTL3 (exostosin like glycosyltransferase 3; plus strand). Cytogenetic location: 8p21.1.
Variant type: single nucleotide variant.
Coding change: c.1279C>G on transcript NM_001440.4 (MANE Select); coding-DNA position 1279, C replaced by G.
Protein change: p.Leu427Val; replaces leucine 427 with valine.
Molecular consequence: missense variant.
Genome position (GRCh38, 1-based): chr8:28,717,338, C>G. VCF-style: chr8-28717338-C-G. GRCh37 (hg19) VCF-style: chr8-28574855-C-G.
Other names: short protein forms L427V.
Identifiers: ClinVar variation 1384548 (VCV001384548.5), dbSNP rs1801179636, ClinGen allele CA370859057.

ClinVar aggregate classification (germline): Uncertain significance (1 of 4 stars; one submission).

Allele frequency attached by ClinVar (database versions not stated): gnomAD 0.00001; gnomAD exomes below 0.00001.
gnomAD v4.1: 3 of 1,614,098 alleles (0.00019%); highest among the groups gnomAD compares: Admixed American, 0.0017%; no homozygotes.

Submission:

Labcorp Genetics (formerly Invitae), Labcorp
Classification: Uncertain significance. Last evaluated: 2021-12-15. Review status: criteria provided, single submitter. Criteria: Invitae Variant Classification Sherloc (09022015). Collection method: clinical testing. Allele origin: germline.
Comment: This sequence change replaces leucine, which is neutral and non-polar, with valine, which is neutral and non-polar, at codon 427 of the EXTL3 protein (p.Leu427Val). This variant is not present in population databases (gnomAD no frequency). This variant has not been reported in the literature in individuals affected with EXTL3-related conditions. Algorithms developed to predict the effect of missense changes on protein structure and function (SIFT, PolyPhen-2, Align-GVGD) all suggest that this variant is likely to be tolerated. Algorithms developed to predict the effect of sequence changes on RNA splicing suggest that this variant may create or strengthen a splice site. In summary, the available evidence is currently insufficient to determine the role of this variant in disease. Therefore, it has been classified as a Variant of Uncertain Significance.